The following is an entry in ClinVar:

NM_016233.2(PADI3):c.505C>T (p.Gln169Ter)

Gene: PADI3 (peptidyl arginine deiminase 3; plus strand). Cytogenetic location: 1p36.13.
Variant type: single nucleotide variant.
Coding change: c.505C>T on transcript NM_016233.2 (MANE Select); coding-DNA position 505, C replaced by T.
Protein change: p.Gln169Ter; replaces glutamine 169 with a stop codon.
Molecular consequence: nonsense.
Genome position (GRCh38, 1-based): chr1:17,266,815, C>T. VCF-style: chr1-17266815-C-T. GRCh37 (hg19) VCF-style: chr1-17593310-C-T.
Other names: short protein forms Q169*.
Identifiers: ClinVar variation 3602987 (VCV003602987.2), dbSNP rs199615967.

ClinVar aggregate classification (germline): Likely pathogenic (1 of 4 stars; one submission).

gnomAD v4.1: 194 of 1,613,892 alleles (0.012%); highest among the groups gnomAD compares: Middle Eastern, 0.05%; 1 homozygote.

Submission:

GeneDx
Classification: Likely pathogenic. Last evaluated: 2026-03-12. Review status: criteria provided, single submitter. Criteria: GeneDx Variant Classification Process June 2021. Collection method: clinical testing. Allele origin: germline.
Comment: Nonsense variant predicted to result in protein truncation or nonsense mediated decay in a gene or region of a gene for which loss of function is not a well-established mechanism of disease; This variant is associated with the following publications: (PMID: 36044230, 31345219)